The following is an entry in ClinVar:

ClinVar aggregate classification (germline): Benign/Likely benign. Review status: criteria provided, multiple submitters, no conflicts (2 of 4 stars). 4 submissions from 4 submitters: Benign (2); Likely benign (2). Last evaluated 2026-09-01.

Allele frequency attached by ClinVar (database versions not stated): 1000 Genomes Project 0.00379; TOPMed 0.00475; gnomAD 0.00529; ESP Exome Variant Server 0.00602.
gnomAD v4.1: 4,220 of 780,424 alleles (0.54%); highest among the groups gnomAD compares: Middle Eastern, 0.88%; 27 homozygotes.

Submissions (4):

CeGaT Center for Human Genetics Tuebingen
Classification: Likely benign. Last evaluated: 2026-09-01. Review status: criteria provided, single submitter. Criteria: CeGaT Center For Human Genetics Tuebingen Variant Classification Criteria Version 2. Collection method: clinical testing. Allele origin: germline. Affected: yes. Observed: 90 variant alleles.
Comment: ERCC2: BS2

Blueprint Genetics
Classification: Likely benign. Last evaluated: 2024-11-28. Review status: criteria provided, single submitter. Criteria: ACMG Guidelines, 2015. Collection method: clinical testing. Allele origin: germline.

Athena Diagnostics
Classification: Benign. Last evaluated: 2018-12-27. Review status: criteria provided, single submitter. Criteria: Athena Diagnostics Criteria. Collection method: clinical testing. Allele origin: germline.

Breakthrough Genomics
Classification: Benign. Review status: criteria provided, single submitter. Criteria: ACMG Guidelines, 2015. Collection method: not provided. Allele origin: germline. Inheritance: Autosomal recessive inheritance. Affected: yes.

NM_000400.4(ERCC2):c.1238-1155C>G

Gene: ERCC2 (ERCC excision repair 2, TFIIH core complex helicase subunit; minus strand). Cytogenetic location: 19q13.32.
Variant type: single nucleotide variant.
Coding change: c.1238-1155C>G on transcript NM_000400.4 (MANE Select); 1155 bases into the intron before coding-DNA position 1238, C replaced by G.
Molecular consequence: intron variant. On other transcripts: 3 prime UTR variant (1).
Genome position (GRCh38, 1-based): chr19:45,358,854, G>C on the plus strand (C>G on the coding strand, the complement: ERCC2 is on the minus strand). VCF-style: chr19-45358854-G-C. GRCh37 (hg19) VCF-style: chr19-45862112-G-C.
Other names: c.*6C>G (NM_001130867.2).
Identifiers: ClinVar variation 804792 (VCV000804792.29), dbSNP rs41275762, ClinGen allele CA9513418.